The following is an entry in ClinVar:

ClinVar aggregate classification (germline): Uncertain significance (1 of 4 stars; one submission).

gnomAD v4.1: 10 of 1,600,104 alleles (0.00062%); highest among the groups gnomAD compares: African/African-American, 0.0013%; no homozygotes.

Submission:

Labcorp Genetics (formerly Invitae), Labcorp
Classification: Uncertain significance. Last evaluated: 2025-10-17. Review status: criteria provided, single submitter. Criteria: Invitae Variant Classification Sherloc (09022015). Collection method: clinical testing. Allele origin: germline.
Comment: This sequence change replaces arginine, which is basic and polar, with cysteine, which is neutral and slightly polar, at codon 1113 of the CHD8 protein (p.Arg1113Cys). The frequency data for this variant in the population databases is considered unreliable, as metrics indicate poor data quality at this position in the gnomAD database. This missense change has been observed in individual(s) with a neurodevelopmental disorder (PMID: 33004838). Invitae Evidence Modeling of protein sequence and biophysical properties (such as structural, functional, and spatial information, amino acid conservation, physicochemical variation, residue mobility, and thermodynamic stability) indicates that this missense variant is not expected to disrupt CHD8 protein function with a negative predictive value of 95%. In summary, the available evidence is currently insufficient to determine the role of this variant in disease. Therefore, it has been classified as a Variant of Uncertain Significance.

Literature cited by the submitters: PubMed 33004838.

NM_001170629.2(CHD8):c.3337C>T (p.Arg1113Cys)

Gene: CHD8 (chromodomain helicase DNA binding protein 8; minus strand). Cytogenetic location: 14q11.2.
Variant type: single nucleotide variant.
Coding change: c.3337C>T on transcript NM_001170629.2 (MANE Select); coding-DNA position 3337, C replaced by T.
Protein change: p.Arg1113Cys; replaces arginine 1113 with cysteine.
Molecular consequence: missense variant.
Genome position (GRCh38, 1-based): chr14:21,403,634, G>A on the plus strand (C>T on the coding strand, the complement: CHD8 is on the minus strand). VCF-style: chr14-21403634-G-A. GRCh37 (hg19) VCF-style: chr14-21871793-G-A.
Other names: c.2500C>T, p.Arg834Cys (NM_020920.4); short protein forms R834C, R1113C.
Identifiers: ClinVar variation 4749745 (VCV004749745.1).